The following is an entry in ClinVar:

ClinVar aggregate classification (germline): Uncertain significance (1 of 4 stars; one submission).

Conditions:
Intellectual disability, autosomal recessive 53 (NEDHSCA). Also called: GLYCOSYLPHOSPHATIDYLINOSITOL BIOSYNTHESIS DEFECT 13; Mental retardation, autosomal recessive 53; NEURODEVELOPMENTAL DISORDER WITH OR WITHOUT HYPOTONIA, SEIZURES, AND CEREBELLAR ATROPHY. Identifiers: Orphanet 488635, MedGen C4310794, MONDO:0014832, OMIM 616917.

Allele frequency attached by ClinVar (database versions not stated): ExAC 0.00001.
gnomAD v4.1: 8 of 1,614,008 alleles (0.0005%); highest among the groups gnomAD compares: South Asian, 0.0088%; no homozygotes.

Submission:

Labcorp Genetics (formerly Invitae), Labcorp
Classification: Uncertain significance for Intellectual disability, autosomal recessive 53. Last evaluated: 2022-02-08. Review status: criteria provided, single submitter. Criteria: Invitae Variant Classification Sherloc (09022015). Collection method: clinical testing. Allele origin: germline.
Comment: This variant has not been reported in the literature in individuals affected with PIGG-related conditions. This variant is present in population databases (rs782102728, gnomAD 0.01%). This sequence change replaces cysteine, which is neutral and slightly polar, with tyrosine, which is neutral and polar, at codon 266 of the PIGG protein (p.Cys266Tyr). Algorithms developed to predict the effect of missense changes on protein structure and function are either unavailable or do not agree on the potential impact of this missense change (SIFT: "Deleterious"; PolyPhen-2: "Probably Damaging"; Align-GVGD: "Class C0"). In summary, the available evidence is currently insufficient to determine the role of this variant in disease. Therefore, it has been classified as a Variant of Uncertain Significance.

NM_001127178.3(PIGG):c.797G>A (p.Cys266Tyr)

Gene: PIGG (phosphatidylinositol glycan anchor biosynthesis class G (EMM blood group); plus strand). Cytogenetic location: 4p16.3.
Variant type: single nucleotide variant.
Coding change: c.797G>A on transcript NM_001127178.3 (MANE Select); coding-DNA position 797, G replaced by A.
Protein change: p.Cys266Tyr; replaces cysteine 266 with tyrosine.
Molecular consequence: missense variant. On other transcripts: non-coding transcript variant (10), intron variant (1), 5 prime UTR variant (3).
Genome position (GRCh38, 1-based): chr4:508,866, G>A. VCF-style: chr4-508866-G-A. GRCh37 (hg19) VCF-style: chr4-502655-G-A.
Other names: c.530G>A, p.Cys177Tyr (NM_001289051.2, NM_001289053.2, NM_001289057.2 and 2 more transcripts); c.398G>A, p.Cys133Tyr (NM_001289052.2); c.431G>A, p.Cys144Tyr (NM_001289055.2); c.-129+1273G>A (NM_001345988.2); c.797G>A, p.Cys266Tyr (NM_001345989.2, NM_017733.5); c.-829G>A (NM_001345990.2); c.-691G>A (NM_001345991.2); c.-416G>A (NM_001345994.2); short protein forms C133Y, C144Y, C177Y, C266Y.
Identifiers: ClinVar variation 2094728 (VCV002094728.4), dbSNP rs782102728, ClinGen allele CA2793111.